The following is an entry in ClinVar:

NM_005076.5(CNTN2):c.1048_1049del (p.Ala350fs)

Gene: CNTN2 (contactin 2; plus strand). Cytogenetic location: 1q32.1.
Variant type: Deletion.
Coding change: c.1048_1049del on transcript NM_005076.5 (MANE Select); coding-DNA positions 1048 to 1049, 2 bases deleted (GC; older notation c.1048_1049delGC).
Protein change: p.Ala350fs; shifts the reading frame from alanine 350.
Molecular consequence: frameshift variant. On other transcripts: non-coding transcript variant (1).
Genome position (GRCh38, 1-based): chr1:205,061,939-205,061,940, GC deleted. VCF-style (leftmost placement, unchanged base first): chr1-205061938-AGC-A. GRCh37 (hg19) VCF-style: chr1-205031066-AGC-A.
Other names: c.1048_1049del, p.Ala350fs (NM_001346083.2); short protein forms A350fs.
Identifiers: ClinVar variation 4717459 (VCV004717459.1).

ClinVar aggregate classification (germline): Pathogenic (1 of 4 stars; one submission).

Conditions:
Epilepsy, familial adult myoclonic, 5 (EPEO5). Also called: CORTICAL MYOCLONIC TREMOR WITH EPILEPSY, FAMILIAL, 5. Identifiers: Orphanet 86814, MedGen C3809374, MONDO:0014167, OMIM 615400.

Submission:

Labcorp Genetics (formerly Invitae), Labcorp
Classification: Pathogenic for Epilepsy, familial adult myoclonic, 5. Last evaluated: 2025-07-09. Review status: criteria provided, single submitter. Criteria: Invitae Variant Classification Sherloc (09022015). Collection method: clinical testing. Allele origin: germline.
Comment: This sequence change creates a premature translational stop signal (p.Ala350Argfs*50) in the CNTN2 gene. It is expected to result in an absent or disrupted protein product. Loss-of-function variants in CNTN2 are known to be pathogenic (PMID: 11178983, 23518707). This variant is not present in population databases (gnomAD no frequency). This variant has not been reported in the literature in individuals affected with CNTN2-related conditions. For these reasons, this variant has been classified as Pathogenic.

Literature cited by the submitters: PubMed 11178983; PubMed 23518707.